The following is an entry in ClinVar:

ClinVar aggregate classification (germline): Uncertain significance (1 of 4 stars; one submission).

Conditions:
Neuronal ceroid lipofuscinosis 1 (CLN1). Also called: CEROID LIPOFUSCINOSIS, NEURONAL, 1, VARIABLE AGE AT ONSET; PPT1-Related Neuronal Ceroid-Lipofuscinosis. Identifiers: Orphanet 228329, MedGen C1850451, MONDO:0009744, OMIM 256730.

Submission:

Labcorp Genetics (formerly Invitae), Labcorp
Classification: Uncertain significance for Neuronal ceroid lipofuscinosis 1. Last evaluated: 2022-11-15. Review status: criteria provided, single submitter. Criteria: Invitae Variant Classification Sherloc (09022015). Collection method: clinical testing. Allele origin: germline.
Comment: ClinVar contains an entry for this variant (Variation ID: 1406428). In summary, the available evidence is currently insufficient to determine the role of this variant in disease. Therefore, it has been classified as a Variant of Uncertain Significance. Advanced modeling of protein sequence and biophysical properties (such as structural, functional, and spatial information, amino acid conservation, physicochemical variation, residue mobility, and thermodynamic stability) has been performed at Invitae for this missense variant, however the output from this modeling did not meet the statistical confidence thresholds required to predict the impact of this variant on PPT1 protein function. This variant has not been reported in the literature in individuals affected with PPT1-related conditions. This variant is not present in population databases (gnomAD no frequency). This sequence change replaces lysine, which is basic and polar, with isoleucine, which is neutral and non-polar, at codon 56 of the PPT1 protein (p.Lys56Ile).

NM_000310.4(PPT1):c.167A>T (p.Lys56Ile)

Gene: PPT1 (palmitoyl-protein thioesterase 1; minus strand). Cytogenetic location: 1p34.2.
Variant type: single nucleotide variant.
Coding change: c.167A>T on transcript NM_000310.4 (MANE Select); coding-DNA position 167, A replaced by T.
Protein change: p.Lys56Ile; replaces lysine 56 with isoleucine.
Molecular consequence: missense variant. On other transcripts: intron variant (1).
Genome position (GRCh38, 1-based): chr1:40,092,465, T>A on the plus strand (A>T on the coding strand, the complement: PPT1 is on the minus strand). VCF-style: chr1-40092465-T-A. GRCh37 (hg19) VCF-style: chr1-40558137-T-A.
Other names: c.167A>T, p.Lys56Ile (NM_001363695.2); c.125-2953A>T (NM_001142604.2); short protein forms K56I.
Identifiers: ClinVar variation 1406428 (VCV001406428.6), dbSNP rs2124488428, ClinGen allele CA339849965.